The following is an entry in ClinVar:

ClinVar aggregate classification (germline): Likely benign. Review status: criteria provided, multiple submitters, no conflicts (2 of 4 stars). 5 submissions from 5 submitters: Likely benign (4). 1 of the submissions does not count toward it. Last evaluated 2026-01-05.

Conditions:
RAI1-related disorder. Also called: RAI1-related condition.
Inborn genetic diseases. Identifiers: MedGen C0950123, MeSH D030342.

Allele frequency attached by ClinVar (database versions not stated): gnomAD 0.00010; TOPMed 0.00012; 1000 Genomes Project 30x 0.00016; 1000 Genomes Project 0.00040.
gnomAD v4.1: 92 of 1,613,868 alleles (0.0057%); highest among the groups gnomAD compares: African/African-American, 0.023%; no homozygotes.

Submissions (5):

Labcorp Genetics (formerly Invitae), Labcorp
Classification: Likely benign. Last evaluated: 2026-01-05. Review status: criteria provided, single submitter. Criteria: Invitae Variant Classification Sherloc (09022015). Collection method: clinical testing. Allele origin: germline.

CeGaT Center for Human Genetics Tuebingen
Classification: Likely benign. Last evaluated: 2025-10-01. Review status: criteria provided, single submitter. Criteria: CeGaT Center For Human Genetics Tuebingen Variant Classification Criteria Version 2. Collection method: clinical testing. Allele origin: germline. Affected: yes. Observed: 1 variant allele.
Comment: RAI1: BP4, BP7

Blueprint Genetics
Classification: Likely benign. Last evaluated: 2022-09-28. Review status: criteria provided, single submitter. Criteria: ACMG Guidelines, 2015. Collection method: clinical testing. Allele origin: germline.

Ambry Genetics
Classification: Likely benign for Inborn genetic diseases. Last evaluated: 2019-07-02. Review status: criteria provided, single submitter. Criteria: Ambry Variant Classification Scheme 2023. Collection method: clinical testing. Allele origin: germline.

PreventionGenetics, part of Exact Sciences
Classification: Likely benign for RAI1-related condition. Last evaluated: 2019-11-18. Review status: no assertion criteria provided. Collection method: clinical testing. Allele origin: germline. Not counted in ClinVar's aggregate classification.
Comment: This variant is classified as likely benign based on ACMG/AMP sequence variant interpretation guidelines (Richards et al. 2015 PMID: 25741868, with internal and published modifications).

NM_030665.4(RAI1):c.186C>T (p.Gly62=)

Gene: RAI1 (retinoic acid induced 1; plus strand). Cytogenetic location: 17p11.2.
Variant type: single nucleotide variant.
Coding change: c.186C>T on transcript NM_030665.4 (MANE Select); coding-DNA position 186, C replaced by T.
Protein change: p.Gly62=; no amino-acid change (glycine 62 retained).
Molecular consequence: synonymous variant.
Genome position (GRCh38, 1-based): chr17:17,793,134, C>T. VCF-style: chr17-17793134-C-T. GRCh37 (hg19) VCF-style: chr17-17696448-C-T.
Identifiers: ClinVar variation 1554473 (VCV001554473.19), dbSNP rs202240310, ClinGen allele CA8418066.